The following is an entry in ClinVar:

ClinVar aggregate classification (germline): Conflicting classifications of pathogenicity. Review status: criteria provided, conflicting classifications (1 of 4 stars). 4 submissions from 4 submitters: Uncertain significance (1); Likely benign (2). 1 of the submissions does not count toward it. Last evaluated 2026-01-26.

Conditions:
Hereditary fructosuria. Also called: ALDOB DEFICIENCY; ALDOLASE B DEFICIENCY; FRUCTOSE-1,6-BISPHOSPHATE ALDOLASE B DEFICIENCY; FRUCTOSE-1-PHOSPHATE ALDOLASE DEFICIENCY; Hereditary fructose intolerance; Fructose intolerance. Identifiers: Orphanet 469, MedGen C0016751, MONDO:0009249, OMIM 229600, HP:0005973. Disease mechanism: loss of function.
ALDOB-related disorder. Also called: ALDOB-related condition.

Allele frequency attached by ClinVar (database versions not stated): TOPMed 0.00003; ExAC 0.00004; gnomAD exomes 0.00004 and 0.00008; gnomAD 0.00005 and 0.00006.
gnomAD v4.1: 74 of 1,614,102 alleles (0.0046%); highest among the groups gnomAD compares: Admixed American, 0.0033%; no homozygotes.

Submissions (4):

Labcorp Genetics (formerly Invitae), Labcorp
Classification: Likely benign for Hereditary fructosuria. Last evaluated: 2026-01-26. Review status: criteria provided, single submitter. Criteria: Invitae Variant Classification Sherloc (09022015). Collection method: clinical testing. Allele origin: germline.

PreventionGenetics, part of Exact Sciences
Classification: Likely benign for ALDOB-related condition. Last evaluated: 2025-07-31. Review status: criteria provided, single submitter. Criteria: ACMG Guidelines, 2015. Collection method: clinical testing. Allele origin: germline.
Comment: This variant is classified as likely benign based on ACMG/AMP sequence variant interpretation guidelines (Richards et al. 2015 PMID: 25741868, with internal and published modifications).

Illumina Laboratory Services, Illumina
Classification: Uncertain significance for Hereditary fructosuria. Last evaluated: 2018-01-13. Review status: criteria provided, single submitter. Criteria: ICSL Variant Classification Criteria 13 December 2019. Collection method: clinical testing. Allele origin: germline.

Natera, Inc.
Classification: Uncertain significance for Fructose intolerance. Last evaluated: 2020-02-13. Review status: no assertion criteria provided. Collection method: clinical testing. Allele origin: germline. Not counted in ClinVar's aggregate classification.

NM_000035.4(ALDOB):c.849C>T (p.Asn283=)

Gene: ALDOB (aldolase, fructose-bisphosphate B; minus strand). Cytogenetic location: 9q31.1.
Variant type: single nucleotide variant.
Coding change: c.849C>T on transcript NM_000035.4 (MANE Select); coding-DNA position 849, C replaced by T.
Protein change: p.Asn283=; no amino-acid change (asparagine 283 retained).
Molecular consequence: synonymous variant.
Genome position (GRCh38, 1-based): chr9:101,424,993, G>A on the plus strand (C>T on the coding strand, the complement: ALDOB is on the minus strand). VCF-style: chr9-101424993-G-A. GRCh37 (hg19) VCF-style: chr9-104187275-G-A.
Identifiers: ClinVar variation 735205 (VCV000735205.17), dbSNP rs202062631, ClinGen allele CA5161445.